The following is an entry in ClinVar:

ClinVar aggregate classification (germline): Likely benign. Review status: criteria provided, multiple submitters, no conflicts (2 of 4 stars). 2 submissions from 2 submitters: Likely benign (2). Last evaluated 2021-01-21.

Allele frequency attached by ClinVar (database versions not stated): gnomAD exomes below 0.00001; gnomAD 0.00001.
gnomAD v4.1: 5 of 1,613,132 alleles (0.00031%); highest among the groups gnomAD compares: Admixed American, 0.0083%; no homozygotes.

Submissions (2):

Blueprint Genetics
Classification: Likely benign. Last evaluated: 2021-01-21. Review status: criteria provided, single submitter. Criteria: ACMG Guidelines, 2015. Collection method: clinical testing. Allele origin: germline.

GeneDx
Classification: Likely benign. Last evaluated: 2017-06-14. Review status: criteria provided, single submitter. Criteria: GeneDx Variant Classification (06012015). Collection method: clinical testing. Allele origin: germline. Affected: yes.
Comment: This variant is considered likely benign or benign based on one or more of the following criteria: it is a conservative change, it occurs at a poorly conserved position in the protein, it is predicted to be benign by multiple in silico algorithms, and/or has population frequency not consistent with disease.

NM_017775.4(TTC19):c.463-7C>G

Gene: TTC19 (tetratricopeptide repeat domain 19; plus strand). Cytogenetic location: 17p12.
Variant type: single nucleotide variant.
Coding change: c.463-7C>G on transcript NM_017775.4 (MANE Select); 7 bases into the intron before coding-DNA position 463, C replaced by G.
Molecular consequence: intron variant.
Genome position (GRCh38, 1-based): chr17:16,003,824, C>G. VCF-style: chr17-16003824-C-G. GRCh37 (hg19) VCF-style: chr17-15907138-C-G.
Other names: c.142-7C>G (NM_001271420.2).
Identifiers: ClinVar variation 509835 (VCV000509835.2), dbSNP rs1351569328, ClinGen allele CA624961461.